The following is an entry in ClinVar:

NM_002485.5(NBN):c.171+133A>G

Gene: NBN (nibrin; minus strand). Cytogenetic location: 8q21.3.
Variant type: single nucleotide variant.
Coding change: c.171+133A>G on transcript NM_002485.5 (MANE Select); 133 bases into the intron after coding-DNA position 171, A replaced by G.
Molecular consequence: intron variant.
Genome position (GRCh38, 1-based): chr8:89,982,589, T>C on the plus strand (A>G on the coding strand, the complement: NBN is on the minus strand). VCF-style: chr8-89982589-T-C. GRCh37 (hg19) VCF-style: chr8-90994817-T-C.
Other names: c.-126+133A>G (NM_001024688.3).
Identifiers: ClinVar variation 676792 (VCV000676792.2), dbSNP rs13312854, ClinGen allele CA181281008.

ClinVar aggregate classification (germline): Benign. Review status: criteria provided, multiple submitters, no conflicts (2 of 4 stars). 2 submissions from 2 submitters: Benign (2). Last evaluated 2018-06-18.

Allele frequency attached by ClinVar (database versions not stated): gnomAD exomes 0.00265; 1000 Genomes Project 0.02216; gnomAD 0.02257 and 0.02425; 1000 Genomes Project 30x 0.02452; TOPMed 0.02600.
gnomAD v4.1: 5,248 of 807,730 alleles (0.65%); highest among the groups gnomAD compares: African/African-American, 7.7%; 181 homozygotes.

Submissions (2):

GeneDx
Classification: Benign. Last evaluated: 2018-06-18. Review status: criteria provided, single submitter. Criteria: GeneDx Variant Classification (06012015). Collection method: clinical testing. Allele origin: germline. Affected: yes.
Comment: This variant is considered likely benign or benign based on one or more of the following criteria: it is a conservative change, it occurs at a poorly conserved position in the protein, it is predicted to be benign by multiple in silico algorithms, and/or has population frequency not consistent with disease.

Breakthrough Genomics
Classification: Benign. Review status: criteria provided, single submitter. Criteria: ACMG Guidelines, 2015. Collection method: not provided. Allele origin: germline. Inheritance: Autosomal recessive inheritance. Affected: yes.